The following is an entry in ClinVar:

ClinVar aggregate classification (germline): Uncertain significance (1 of 4 stars; one submission).

Submission:

Labcorp Genetics (formerly Invitae), Labcorp
Classification: Uncertain significance. Last evaluated: 2021-11-02. Review status: criteria provided, single submitter. Criteria: Invitae Variant Classification Sherloc (09022015). Collection method: clinical testing. Allele origin: germline.
Comment: This variant has not been reported in the literature in individuals affected with GNB3-related conditions. This sequence change replaces leucine, which is neutral and non-polar, with valine, which is neutral and non-polar, at codon 336 of the GNB3 protein (p.Leu336Val). This variant is not present in population databases (gnomAD no frequency). Algorithms developed to predict the effect of missense changes on protein structure and function (SIFT, PolyPhen-2, Align-GVGD) all suggest that this variant is likely to be tolerated. In summary, the available evidence is currently insufficient to determine the role of this variant in disease. Therefore, it has been classified as a Variant of Uncertain Significance.

NM_002075.4(GNB3):c.1006C>G (p.Leu336Val)

Genes: CDCA3 (cell division cycle associated 3; minus strand), GNB3 (G protein subunit beta 3; plus strand). Cytogenetic location: 12p13.31.
Variant type: single nucleotide variant.
Coding change: c.1006C>G on transcript NM_002075.4 (MANE Select); coding-DNA position 1006, C replaced by G.
Protein change: p.Leu336Val; replaces leucine 336 with valine.
Molecular consequence: missense variant.
Genome position (GRCh38, 1-based): chr12:6,846,881, C>G. VCF-style: chr12-6846881-C-G. GRCh37 (hg19) VCF-style: chr12-6956045-C-G.
Other names: c.1003C>G, p.Leu335Val (NM_001297571.2); c.567G>C, p.Glu189Asp (NM_001297603.3); short protein forms E189D, L336V, L335V.
Identifiers: ClinVar variation 1348903 (VCV001348903.7), dbSNP rs2137996004, ClinGen allele CA383676533.
Genomic context (GRCh38, chr12:6,846,881, plus strand): 5'-AGCTGCCTGGGAGTCACAGCTGACGGGATGGCTGTGGCCACAGGTTCCTGGGACAGCTTC[C>G]TCAAAATCTGGAACTGAGGAGGCTGGAGAAAGGGAAGTGGAAGGCAGTGAACACACTCAG-3'
Protein context (NP_002066.1, residues 326-340): AVATGSWDSF[Leu336Val]KIWN